The following is an entry in ClinVar:

ClinVar aggregate classification (germline): Uncertain significance. Review status: criteria provided, multiple submitters, no conflicts (2 of 4 stars). 2 submissions from 2 submitters: Uncertain significance (2). Last evaluated 2023-08-16.

Conditions:
Cardiovascular phenotype. Identifiers: MedGen CN230736.
Long QT syndrome (LQTS). Identifiers: MedGen C0023976, MeSH D008133, MONDO:0002442. Disease mechanism: loss of function. Inheritance: Various modes of inheritance.

Allele frequency attached by ClinVar (database versions not stated): gnomAD 0.00001; gnomAD exomes 0.00001.
gnomAD v4.1: 11 of 1,613,930 alleles (0.00068%); highest among the groups gnomAD compares: Non-Finnish European, 0.00093%; no homozygotes.

Submissions (2):

Labcorp Genetics (formerly Invitae), Labcorp
Classification: Uncertain significance for Long QT syndrome. Last evaluated: 2023-08-16. Review status: criteria provided, single submitter. Criteria: Invitae Variant Classification Sherloc (09022015). Collection method: clinical testing. Allele origin: germline.
Comment: In summary, the available evidence is currently insufficient to determine the role of this variant in disease. Therefore, it has been classified as a Variant of Uncertain Significance. Algorithms developed to predict the effect of missense changes on protein structure and function output the following: SIFT: "Not Available"; PolyPhen-2: "Benign"; Align-GVGD: "Not Available". The asparagine amino acid residue is found in multiple mammalian species, which suggests that this missense change does not adversely affect protein function. ClinVar contains an entry for this variant (Variation ID: 2450650). This variant has not been reported in the literature in individuals affected with ANK2-related conditions. This variant is present in population databases (no rsID available, gnomAD 0.003%). This sequence change replaces serine, which is neutral and polar, with asparagine, which is neutral and polar, at codon 2104 of the ANK2 protein (p.Ser2104Asn).

Ambry Genetics
Classification: Uncertain significance for Cardiovascular phenotype. Last evaluated: 2023-01-29. Review status: criteria provided, single submitter. Criteria: Ambry Variant Classification Scheme 2023. Collection method: clinical testing. Allele origin: germline.
Comment: The p.S2104N variant (also known as c.6311G>A), located in coding exon 38 of the ANK2 gene, results from a G to A substitution at nucleotide position 6311. The serine at codon 2104 is replaced by asparagine, an amino acid with highly similar properties. This amino acid position is conserved. In addition, this alteration is predicted to be tolerated by in silico analysis. Since supporting evidence is limited at this time, the clinical significance of this alteration remains unclear.

NM_001148.6(ANK2):c.6311G>A (p.Ser2104Asn)

Genes: ANK2 (ankyrin 2; plus strand), LOC126807136 (MED14-independent group 3 enhancer GRCh37_chr4:114274931-114276130; plus strand). Cytogenetic location: 4q26.
Variant type: single nucleotide variant.
Coding change: c.6311G>A on transcript NM_001148.6 (MANE Select); coding-DNA position 6311, G replaced by A.
Protein change: p.Ser2104Asn; replaces serine 2104 with asparagine.
Molecular consequence: missense variant. On other transcripts: intron variant (68).
Genome position (GRCh38, 1-based): chr4:113,354,929, G>A. VCF-style: chr4-113354929-G-A. GRCh37 (hg19) VCF-style: chr4-114276085-G-A.
Other names: c.6077G>A, p.Ser2026Asn (NM_001386142.1); c.2711G>A, p.Ser904Asn (NM_001386166.1); c.6452G>A, p.Ser2151Asn (NM_001386174.1); c.6428G>A, p.Ser2143Asn (NM_001386175.1); c.4411+4680G>A (NM_001386186.2, NM_001386148.2); c.4213+4680G>A (NM_001354269.3); c.4291+4680G>A (NM_001386187.2); c.4252+4680G>A (NM_001386147.1); and 35 more; short protein forms S2026N, S2151N, S2104N, S2143N, S904N.
Identifiers: ClinVar variation 2450650 (VCV002450650.5), dbSNP rs1385370227, ClinGen allele CA357922988.